The following is an entry in ClinVar:

ClinVar aggregate classification (germline): Uncertain significance (1 of 4 stars; one submission).

Conditions:
Congenital pontocerebellar hypoplasia type 1. Also called: Pontocerebellar hypoplasia type 1. Identifiers: Orphanet 2254, MedGen C5442006, MONDO:0016396.

Submission:

Labcorp Genetics (formerly Invitae), Labcorp
Classification: Uncertain significance for Pontocerebellar hypoplasia type 1. Last evaluated: 2019-10-31. Review status: criteria provided, single submitter. Criteria: Invitae Variant Classification Sherloc (09022015). Collection method: clinical testing. Allele origin: germline.
Comment: This sequence change replaces leucine with proline at codon 165 of the VRK1 protein (p.Leu165Pro). The leucine residue is highly conserved and there is a moderate physicochemical difference between leucine and proline. This variant is not present in population databases (ExAC no frequency). This variant has not been reported in the literature in individuals with VRK1-related conditions. Algorithms developed to predict the effect of missense changes on protein structure and function are either unavailable or do not agree on the potential impact of this missense change (SIFT: "Deleterious"; PolyPhen-2: "Probably Damaging"; Align-GVGD: "Class C0"). In summary, the available evidence is currently insufficient to determine the role of this variant in disease. Therefore, it has been classified as a Variant of Uncertain Significance.

NM_003384.3(VRK1):c.494T>C (p.Leu165Pro)

Gene: VRK1 (VRK serine/threonine kinase 1; plus strand). Cytogenetic location: 14q32.2.
Variant type: single nucleotide variant.
Coding change: c.494T>C on transcript NM_003384.3 (MANE Select); coding-DNA position 494, T replaced by C.
Protein change: p.Leu165Pro; replaces leucine 165 with proline.
Molecular consequence: missense variant.
Genome position (GRCh38, 1-based): chr14:96,853,084, T>C. VCF-style: chr14-96853084-T-C. GRCh37 (hg19) VCF-style: chr14-97319421-T-C.
Other names: short protein forms L165P.
Identifiers: ClinVar variation 956220 (VCV000956220.2), dbSNP rs1888014947, ClinGen allele CA390930487.